The following is an entry in ClinVar:

NM_144672.4(OTOA):c.1472A>C (p.Gln491Pro)

Gene: OTOA (otoancorin). Cytogenetic location: 16p12.2.
Variant type: single nucleotide variant.
Coding change: c.1472A>C on transcript NM_144672.4 (MANE Select); coding-DNA position 1472, A replaced by C.
Protein change: p.Gln491Pro; replaces glutamine 491 with proline.
Molecular consequence: missense variant.
Genome position (GRCh38, 1-based): chr16:21,715,136, A>C. VCF-style: chr16-21715136-A-C. GRCh37 (hg19) VCF-style: chr16-21726457-A-C.
Other names: c.1235A>C, p.Gln412Pro (NM_001161683.2); c.500A>C, p.Gln167Pro (NM_170664.3); short protein forms Q167P, Q412P, Q491P.
Identifiers: ClinVar variation 3234054 (VCV003234054.1), dbSNP rs1404729951, ClinGen allele CA395063372.

ClinVar aggregate classification (germline): Uncertain significance (1 of 4 stars; one submission).

Conditions:
Autosomal recessive nonsyndromic hearing loss 22. Identifiers: Orphanet 90636, MedGen C1846896, MONDO:0011762, OMIM 607039.

gnomAD v4.1: 2 of 1,614,188 alleles (0.00012%); no homozygotes.

Submission:

MVZ Medizinische Genetik Mainz
Classification: Uncertain significance for Autosomal recessive nonsyndromic hearing loss 22. Last evaluated: 2023-11-24. Review status: criteria provided, single submitter. Criteria: UK Practice Guidelines For Variant Classification V4 01 2020. Collection method: clinical testing. Allele origin: germline. Inheritance: Autosomal recessive inheritance. Affected: yes. Observed: 1 variant allele.
Comment: ACMG Criteria: PM3_SUP, PM2_SUP, PP1_MOD